The following is an entry in ClinVar:

NM_001127898.4(CLCN5):c.1141C>T (p.His381Tyr)

Gene: CLCN5 (chloride voltage-gated channel 5; plus strand). Cytogenetic location: Xp11.23.
Variant type: single nucleotide variant.
Coding change: c.1141C>T on transcript NM_001127898.4 (MANE Select); coding-DNA position 1141, C replaced by T.
Protein change: p.His381Tyr; replaces histidine 381 with tyrosine.
Molecular consequence: missense variant.
Genome position (GRCh38, 1-based): chrX:50,086,454, C>T. VCF-style: chrX-50086454-C-T. GRCh37 (hg19) VCF-style: chrX-49851111-C-T.
Other names: c.931C>T, p.His311Tyr (NM_000084.5); c.1141C>T, p.His381Tyr (NM_001127899.4); c.991C>T, p.His331Tyr (NM_001282163.2); short protein forms H311Y, H331Y, H381Y.
Identifiers: ClinVar variation 2430793 (VCV002430793.1), dbSNP rs149944303, ClinGen allele CA329782442.
Genomic context (GRCh38, chrX:50,086,454, plus strand): 5'-ACTCTACGCTCCATCAATCCATTTGGGAACAGCCGCCTGGTACTATTTTATGTGGAGTTT[C>T]ACACCCCATGGCATCTCTTTGAGCTCGTGCCATTCATTCTGCTGGGCATATTTGGTGGTC-3'
Protein context (NP_001121370.1, residues 371-391): SRLVLFYVEF[His381Tyr]TPWHLFELVP

ClinVar aggregate classification (germline): Uncertain significance (1 of 4 stars; one submission).

Allele frequency attached by ClinVar (database versions not stated): gnomAD exomes below 0.00001; TOPMed 0.00002; ESP Exome Variant Server 0.00009.
gnomAD v4.1: 1 of 1,211,249 alleles (0.000083%); highest among the groups gnomAD compares: African/African-American, 0.0017%; no homozygotes.

Submission:

GeneDx
Classification: Uncertain significance. Last evaluated: 2022-08-19. Review status: criteria provided, single submitter. Criteria: GeneDx Variant Classification Process June 2021. Collection method: clinical testing. Allele origin: germline. Affected: yes.
Comment: Not observed at significant frequency in large population cohorts (gnomAD); Missense variants in this gene are often considered pathogenic (HGMD); In silico analysis supports that this missense variant has a deleterious effect on protein structure/function; Has not been previously published as pathogenic or benign to our knowledge; This variant is associated with the following publications: (PMID: 24077912)